The following is an entry in ClinVar:

ClinVar aggregate classification (germline): Benign/Likely benign. Review status: criteria provided, multiple submitters, no conflicts (2 of 4 stars). 14 submissions from 11 submitters: Benign (3); Likely benign (9). 2 of the submissions do not count toward it. Last evaluated 2026-05-01.

Conditions:
Neuropathy, hereditary sensory and autonomic, type 2A (HSAN2A). Also called: WNK1-Related HSAN2 (HSAN2A); MORVAN DISEASE; NEUROPATHY, CONGENITAL SENSORY; NEUROPATHY, HEREDITARY SENSORY RADICULAR, AUTOSOMAL RECESSIVE; NEUROPATHY, HEREDITARY SENSORY, TYPE IIA; NEUROPATHY, PROGRESSIVE SENSORY, OF CHILDREN. Identifiers: Orphanet 970, MedGen C2752089, MONDO:0024309, OMIM 201300.
Generalized epilepsy with febrile seizures plus, type 7 (GEFSP7). Also called: GEFS+, TYPE 7. Identifiers: Orphanet 36387, MedGen C2751778, MONDO:0013470, OMIM 613863.
Small fiber neuropathy (SFNP). Also called: SCN9A Small Fiber Neuropathy (SCN9A-SFN). Identifiers: MedGen C3276706, MONDO:0800207.
Primary erythromelalgia. Also called: SCN9A Erythromelalgia (SCN9A-EM); primary erythermalgia. Identifiers: Orphanet 306577, Orphanet 90026, MedGen C0014805, MONDO:0007571, OMIM 133020.
Channelopathy-associated congenital insensitivity to pain, autosomal recessive. Also called: ASYMBOLIA FOR PAIN; CONGENITAL ANALGESIA, AUTOSOMAL RECESSIVE; Insensitivity to pain, channelopathy-associated. Identifiers: Orphanet 88642, Orphanet 970, MedGen C1855739, MONDO:0009459, OMIM 243000.
Paroxysmal extreme pain disorder (PEXPD). Also called: SCN9A Paroxysmal Extreme Pain Disorder (SCN9A-PEPD); PAIN, SUBMANDIBULAR, OCULAR, AND RECTAL, WITH FLUSHING; RECTAL PAIN, FAMILIAL. Identifiers: Orphanet 46348, MedGen C1833661, MONDO:0008179, OMIM 167400.

Allele frequency attached by ClinVar (database versions not stated): 1000 Genomes Project 30x 0.00703; gnomAD 0.00540 and 0.00574; TOPMed 0.00541; ESP Exome Variant Server 0.00571; 1000 Genomes Project 0.00639.
gnomAD v4.1: 3,870 of 1,613,182 alleles (0.24%); highest among the groups gnomAD compares: African/African-American, 1.3%; 15 homozygotes.

Submissions (14):

CeGaT Center for Human Genetics Tuebingen
Classification: Benign. Last evaluated: 2026-05-01. Review status: criteria provided, single submitter. Criteria: CeGaT Center For Human Genetics Tuebingen Variant Classification Criteria Version 2. Collection method: clinical testing. Allele origin: germline. Affected: yes. Observed: 12 variant alleles.
Comment: SCN9A: PP3, BS1, BS2

Labcorp Genetics (formerly Invitae), Labcorp
Classification: Benign for Neuropathy, hereditary sensory and autonomic, type 2A; Generalized epilepsy with febrile seizures plus, type 7. Last evaluated: 2026-02-03. Review status: criteria provided, single submitter. Criteria: Invitae Variant Classification Sherloc (09022015). Collection method: clinical testing. Allele origin: germline.

ARUP Laboratories, Molecular Genetics and Genomics, ARUP Laboratories
Classification: Likely benign. Last evaluated: 2024-12-11. Review status: criteria provided, single submitter. Criteria: ARUP Molecular Germline Variant Investigation Process 2024. Collection method: clinical testing. Allele origin: germline.

Women's Health and Genetics/Laboratory Corporation of America, LabCorp
Classification: Likely benign. Last evaluated: 2023-01-31. Review status: criteria provided, single submitter. Criteria: LabCorp Variant Classification Summary - May 2015. Collection method: clinical testing. Allele origin: germline.

Athena Diagnostics
Classification: Likely benign. Last evaluated: 2020-01-08. Review status: criteria provided, single submitter. Criteria: Athena Diagnostics Criteria. Collection method: clinical testing. Allele origin: unknown.

Illumina Laboratory Services, Illumina
Classification: Likely benign for Channelopathy-associated congenital insensitivity to pain, autosomal recessive. Last evaluated: 2017-04-27. Review status: criteria provided, single submitter. Criteria: ICSL Variant Classification Criteria 13 December 2019. Collection method: clinical testing. Allele origin: germline.
Comment: This variant was observed as part of a predisposition screen in an ostensibly healthy population. A literature search was performed for the gene, cDNA change, and amino acid change (where applicable). No publications were found based on this search. Allele frequency data from public databases allowed determination this variant is unlikely to cause disease. Therefore, this variant is classified as likely benign.

Illumina Laboratory Services, Illumina
Classification: Likely benign for Primary erythromelalgia. Last evaluated: 2017-04-27. Review status: criteria provided, single submitter. Criteria: ICSL Variant Classification Criteria 13 December 2019. Collection method: clinical testing. Allele origin: germline.
Comment: the same text as in the submission from Illumina Laboratory Services, Illumina above.

Illumina Laboratory Services, Illumina
Classification: Likely benign for Paroxysmal extreme pain disorder. Last evaluated: 2017-04-27. Review status: criteria provided, single submitter. Criteria: ICSL Variant Classification Criteria 13 December 2019. Collection method: clinical testing. Allele origin: germline.
Comment: the same text as in the submission from Illumina Laboratory Services, Illumina above.

GeneDx
Classification: Benign. Last evaluated: 2017-03-20. Review status: criteria provided, single submitter. Criteria: GeneDx Variant Classification (06012015). Collection method: clinical testing. Allele origin: germline. Affected: yes.
Comment: This variant is considered likely benign or benign based on one or more of the following criteria: it is a conservative change, it occurs at a poorly conserved position in the protein, it is predicted to be benign by multiple in silico algorithms, and/or has population frequency not consistent with disease.

Center for Pediatric Genomic Medicine, Children's Mercy Hospital and Clinics
Classification: Likely benign. Last evaluated: 2016-11-11. Review status: criteria provided, single submitter. Criteria: ACMG Guidelines, 2015. Collection method: clinical testing. Allele origin: germline.
ClinVar note: Converted during submission from Likely Benign to Likely benign.

Eurofins Ntd Llc (ga)
Classification: Likely benign. Last evaluated: 2015-02-05. Review status: criteria provided, single submitter. Criteria: EGL Classification Definitions 2015. Collection method: clinical testing. Allele origin: germline. Observed: 4 variant alleles, 4 heterozygotes.

Breakthrough Genomics
Classification: Likely benign. Review status: criteria provided, single submitter. Criteria: ACMG Guidelines, 2015. Collection method: not provided. Allele origin: germline. Inheritance: Autosomal recessive inheritance. Affected: yes.

OMIM
Classification: Pathogenic for NEUROPATHY, SMALL FIBER. Last evaluated: 2014-09-01. Review status: no assertion criteria provided. Collection method: literature only. Allele origin: germline. Not counted in ClinVar's aggregate classification.

OMIM
Classification: Pathogenic for PAROXYSMAL EXTREME PAIN DISORDER. Last evaluated: 2014-09-01. Review status: no assertion criteria provided. Collection method: literature only. Allele origin: germline. Not counted in ClinVar's aggregate classification.

Literature cited by the submitters: PubMed 29176367 (cited by Athena Diagnostics); PubMed 21698661 (cited by Athena Diagnostics and OMIM); PubMed 22035805 (cited by Athena Diagnostics); PubMed 22826602 (cited by Athena Diagnostics and OMIM); PubMed 23895530 (cited by Athena Diagnostics); PubMed 24817410 (cited by Athena Diagnostics and OMIM); PubMed 25316021 (cited by Athena Diagnostics); PubMed 25250524 (cited by Athena Diagnostics); PubMed 27843123 (cited by Athena Diagnostics); PubMed 30569495 (cited by Athena Diagnostics).

NM_001365536.1(SCN9A):c.554G>A (p.Arg185His)

Gene: SCN9A (sodium voltage-gated channel alpha subunit 9; minus strand). Cytogenetic location: 2q24.3.
Variant type: single nucleotide variant.
Coding change: c.554G>A on transcript NM_001365536.1 (MANE Select); coding-DNA position 554, G replaced by A.
Protein change: p.Arg185His; replaces arginine 185 with histidine.
Molecular consequence: missense variant.
Genome position (GRCh38, 1-based): chr2:166,305,834, C>T on the plus strand (G>A on the coding strand, the complement: SCN9A is on the minus strand). VCF-style: chr2-166305834-C-T. GRCh37 (hg19) VCF-style: chr2-167162344-C-T.
Other names: SCN9A, ARG185HIS (rs73969684); c.554G>A, p.Arg185His (NM_002977.4); short protein forms R185H.
Identifiers: ClinVar variation 157596 (VCV000157596.94), dbSNP rs73969684, ClinGen allele CA171004.